The following is an entry in ClinVar:

ClinVar aggregate classification (germline): Conflicting classifications of pathogenicity. Review status: criteria provided, conflicting classifications (1 of 4 stars). 13 submissions from 13 submitters: Uncertain significance (10); Likely benign (2). 1 of the submissions does not count toward it. Last evaluated 2026-01-11.

Conditions:
Familial cancer of breast. Also called: hereditary breast carcinoma; Hereditary breast cancer; BREAST CANCER, FAMILIAL. Identifiers: Orphanet 227535, MedGen C0346153, MONDO:0016419, OMIM 114480. Disease mechanism: loss of function.
PALB2-related cancer predisposition. Identifiers: MedGen CN377761, MONDO:0700272.
Breast-ovarian cancer, familial, susceptibility to, 5 (BROVCA5). Identifiers: MedGen C5830615, MONDO:0957530, OMIM 620442.
Pancreatic cancer, susceptibility to, 3. Identifiers: Orphanet 1333, MedGen C3150547, MONDO:0013236, OMIM 613348.
Fanconi anemia complementation group N. Also called: PALB2-Related Fanconi Anemia. Identifiers: Orphanet 84, MedGen C1835817, MONDO:0012565, OMIM 610832. Disease mechanism: loss of function.
Breast and/or ovarian cancer. Identifiers: MedGen CN221562.
Hereditary cancer-predisposing syndrome. Also called: Hereditary Cancer Syndrome; Tumor predisposition; Hereditary neoplastic syndrome; Neoplastic Syndromes, Hereditary. Identifiers: Orphanet 140162, MedGen C0027672, MeSH D009386, MONDO:0015356.

Allele frequency attached by ClinVar (database versions not stated): ExAC 0.00001; gnomAD exomes 0.00001 and 0.00002; TOPMed 0.00001.
gnomAD v4.1: 24 of 1,614,080 alleles (0.0015%); highest among the groups gnomAD compares: Non-Finnish European, 0.0019%; no homozygotes.

Submissions (13):

Hema, HEMA – Genetic and Molecular Diagnostic Laboratory
Classification: Uncertain significance for PALB2-related cancer predisposition. Last evaluated: 2026-01-11. Review status: criteria provided, single submitter. Criteria: HEMA Variant Classification Assertion Criteria. Collection method: clinical testing. Allele origin: germline.
Comment: The c.3073G>A p.(Ala1025Thr) variant is a transition from cytosine to thymine, resulting in the substitution of alanine 1025 with threonine in the PALB2 protein. BP1: Missense variant in PALB2, a gene in which pathogenic variants are primarily truncations.

Labcorp Genetics (formerly Invitae), Labcorp
Classification: Uncertain significance for Familial cancer of breast. Last evaluated: 2025-10-31. Review status: criteria provided, single submitter. Criteria: Invitae Variant Classification Sherloc (09022015). Collection method: clinical testing. Allele origin: germline.
Comment: This sequence change replaces alanine, which is neutral and non-polar, with threonine, which is neutral and polar, at codon 1025 of the PALB2 protein (p.Ala1025Thr). This variant is present in population databases (rs746872839, gnomAD 0.003%). This missense change has been observed in individual(s) with breast or colon cancer (PMID: 21618343, 27978560, 33980423). ClinVar contains an entry for this variant (Variation ID: 217917). Invitae Evidence Modeling of protein sequence and biophysical properties (such as structural, functional, and spatial information, amino acid conservation, physicochemical variation, residue mobility, and thermodynamic stability) indicates that this missense variant is expected to disrupt PALB2 protein function with a positive predictive value of 80%. Experimental studies have shown that this missense change does not substantially affect PALB2 function (PMID: 31586400, 31636395, 33964450). In summary, the available evidence is currently insufficient to determine the role of this variant in disease. Therefore, it has been classified as a Variant of Uncertain Significance.

Myriad Genetics, Inc.
Classification: Likely benign for Familial cancer of breast. Last evaluated: 2025-01-21. Review status: criteria provided, single submitter. Criteria: Myriad Autosomal Dominant, Autosomal Recessive and X-Linked Classification Criteria (2023). Collection method: clinical testing. Allele origin: unknown.
Comment: This variant is considered likely benign. This variant has been observed in trans with a known pathogenic variant in one or more individuals lacking clinical features consistent with gene-specific recessive disease.

Ambry Genetics
Classification: Likely benign for Hereditary cancer-predisposing syndrome. Last evaluated: 2024-12-17. Review status: criteria provided, single submitter. Criteria: Ambry Variant Classification Scheme 2023. Collection method: clinical testing. Allele origin: germline.

Color Diagnostics, LLC DBA Color Health
Classification: Uncertain significance for Hereditary cancer-predisposing syndrome. Last evaluated: 2024-01-09. Review status: criteria provided, single submitter. Criteria: ACMG Guidelines, 2015. Collection method: clinical testing. Allele origin: germline.
Comment: This missense variant replaces alanine with threonine at codon 1025 of the PALB2 protein. Computational prediction suggests that this variant may not impact protein structure and function. Functional studies reported that this variant protein does not significantly impact PALB2 function in a homology-directed repair assays (PMID: 31636395, 33964450) and in a BRCA2 binding assay (PMID: 31586400). This variant has been reported in at least four individuals affected with breast cancer (PMID: 21618343, 29522266, 33471991, 33980423; Leiden Open Variation Database DB-ID PALB2_010680) and an individual affected with colorectal cancer (PMID: 27978560). This variant has been identified in 2/251444 chromosomes in the general population by the Genome Aggregation Database (gnomAD). The available evidence is insufficient to determine the role of this variant in disease conclusively. Therefore, this variant is classified as a Variant of Uncertain Significance.

GeneDx
Classification: Uncertain significance. Last evaluated: 2023-11-25. Review status: criteria provided, single submitter. Criteria: GeneDx Variant Classification Process June 2021. Collection method: clinical testing. Allele origin: germline. Affected: yes.
Comment: Not observed at significant frequency in large population cohorts (gnomAD); In silico analysis supports that this missense variant has a deleterious effect on protein structure/function; Observed in individuals with breast or colorectal cancer (Hellebrand et al., 2011; Pearlman et al., 2017; Hauke et al., 2018); This variant is associated with the following publications: (PMID: 21618343, 22331464, 19609323, 20871615, 23684799, 29522266, 27978560, 27930734, 31636395, 31586400, 33964450, 31159747, 24485656)

Baylor Genetics
Classification: Uncertain significance for Familial cancer of breast. Last evaluated: 2023-11-16. Review status: criteria provided, single submitter. Criteria: ACMG Guidelines, 2015. Collection method: clinical testing. Allele origin: unknown.

CHEO Genetics Diagnostic Laboratory, Children's Hospital of Eastern Ontario
Classification: Uncertain significance for Breast and/or ovarian cancer. Last evaluated: 2023-02-06. Review status: criteria provided, single submitter. Criteria: ACMG Guidelines, 2015. Collection method: clinical testing. Allele origin: germline.

Department of Pathology and Laboratory Medicine, Sinai Health System
Classification: Uncertain significance for Fanconi anemia complementation group N; Pancreatic cancer, susceptibility to, 3; Breast-ovarian cancer, familial, susceptibility to, 5. Last evaluated: 2021-03-05. Review status: criteria provided, single submitter. Criteria: ACMG Guidelines, 2015. Collection method: clinical testing. Allele origin: germline. Affected: yes.

Women's Health and Genetics/Laboratory Corporation of America, LabCorp
Classification: Uncertain significance. Last evaluated: 2020-01-14. Review status: criteria provided, single submitter. Criteria: LabCorp Variant Classification Summary - May 2015. Collection method: clinical testing. Allele origin: germline.
Comment: Variant summary: PALB2 c.3073G>A (p.Ala1025Thr) results in a non-conservative amino acid change located in the Partner and localiser of BRCA2, WD40 domain (IPR031920) of the encoded protein sequence. Three of five in-silico tools predict a benign effect of the variant on protein function. The variant allele was found at a frequency of 8e-06 in 251444 control chromosomes (gnomAD). The available data on variant occurrences in the general population are insufficient to allow any conclusion about variant significance. c.3073G>A has been reported in the literature in individuals affected with breast cancer and colorectal cancer (e.g. Hellebrand_2011, Hauke_2018, Pearlman_2016). These reports do not provide unequivocal conclusions about association of the variant with Breast Cancer. Experimental evidence evaluating an impact on protein function demonstrated the variant to confer similar levels of activity to wild-type controls in different functional assays (Rodrigue_2019, Wiltshire_2019). Five ClinVar submitters (evaluation after 2014) cite the variant as uncertain significance. Based on the evidence outlined above, the variant was classified as uncertain significance until additional evidence of clinical importance becomes available.

GeneKor MSA
Classification: Uncertain significance for Hereditary cancer-predisposing syndrome. Last evaluated: 2018-08-01. Review status: criteria provided, single submitter. Criteria: ACMG Guidelines, 2015. Collection method: clinical testing. Allele origin: germline. Affected: yes.

Illumina Laboratory Services, Illumina
Classification: Uncertain significance for Fanconi anemia complementation group N. Last evaluated: 2018-01-13. Review status: criteria provided, single submitter. Criteria: ICSL Variant Classification Criteria 13 December 2019. Collection method: clinical testing. Allele origin: germline.

Centro Diagnostico Italiano
Classification: Uncertain significance for Familial cancer of breast. Last evaluated: 2015-04-21. Review status: no assertion criteria provided. Collection method: research. Allele origin: unknown. Affected: yes. Observed: 1 variant allele, 1 heterozygote. Not counted in ClinVar's aggregate classification.

Literature cited by the submitters: PubMed 21618343 (cited by 5 submitters); PubMed 27978560 (cited by 5 submitters); PubMed 33980423 (cited by Labcorp Genetics (formerly Invitae), Labcorp and Color Diagnostics, LLC DBA Color Health); PubMed 31586400 (cited by 5 submitters); PubMed 31636395 (cited by 5 submitters); PubMed 33964450 (cited by 3 submitters); PubMed 27930734 (cited by 3 submitters); PubMed 29522266 (cited by 4 submitters); PubMed 31159747 (cited by 3 submitters); PubMed 33471991 (cited by Color Diagnostics, LLC DBA Color Health).

NM_024675.4(PALB2):c.3073G>A (p.Ala1025Thr)

Gene: PALB2 (partner and localizer of BRCA2; minus strand). Cytogenetic location: 16p12.2.
Variant type: single nucleotide variant.
Coding change: c.3073G>A on transcript NM_024675.4 (MANE Select); coding-DNA position 3073, G replaced by A.
Protein change: p.Ala1025Thr; replaces alanine 1025 with threonine.
Molecular consequence: missense variant.
Genome position (GRCh38, 1-based): chr16:23,621,402, C>T on the plus strand (G>A on the coding strand, the complement: PALB2 is on the minus strand). VCF-style: chr16-23621402-C-T. GRCh37 (hg19) VCF-style: chr16-23632723-C-T.
Other names: short protein forms A1025T.
Identifiers: ClinVar variation 217917 (VCV000217917.35), dbSNP rs746872839, ClinGen allele CA277851.